The following is an entry in ClinVar:

ClinVar aggregate classification (germline): Pathogenic. Review status: criteria provided, multiple submitters, no conflicts (2 of 4 stars). 2 submissions from 2 submitters: Pathogenic (2). Last evaluated 2024-03-12.

Conditions:
Developmental delay with variable intellectual impairment and behavioral abnormalities. Identifiers: MedGen C5193092, MONDO:0032745, OMIM 618430.

Submissions (2):

Institute of Human Genetics, FAU Erlangen, Friedrich-Alexander-Universität Erlangen-Nürnberg
Classification: Pathogenic for Developmental delay with variable intellectual impairment and behavioral abnormalities. Last evaluated: 2024-03-12. Review status: criteria provided, single submitter. Criteria: Hauer et al. (Genet Med. 2018). Collection method: clinical testing. Allele origin: germline. Inheritance: Autosomal dominant inheritance. Affected: yes. Observed: 1 variant allele.
Comment: This variant has been identified by standard clinical testing. Selected ACMG criteria: Pathogenic (I):PM2;PS2;PVS1

Clinical Genetics Laboratory, Skane University Hospital Lund
Classification: Pathogenic. Last evaluated: 2022-05-27. Review status: criteria provided, single submitter. Criteria: ACMG Guidelines, 2015. Collection method: clinical testing. Allele origin: germline. Affected: yes.

NM_001378418.1(TCF20):c.3083dup (p.Asp1029fs)

Gene: TCF20 (transcription factor 20; minus strand). Cytogenetic location: 22q13.2.
Variant type: Duplication.
Coding change: c.3083dup on transcript NM_001378418.1 (MANE Select); coding-DNA position 3083, one base duplicated (G; older notation c.3083dupG).
Protein change: p.Asp1029fs; shifts the reading frame from aspartic acid 1029.
Molecular consequence: frameshift variant.
Genome position (GRCh38, 1-based): chr22:42,212,223, C duplicated on the plus strand (G on the coding strand, the reverse complement: TCF20 is on the minus strand); the first of 5 consecutive C bases (chr22:42,212,223-42,212,227); duplicating any one gives the same sequence. VCF-style (leftmost placement, unchanged base first): chr22-42212222-T-TC. GRCh37 (hg19) VCF-style: chr22-42608228-T-TC.
Other names: c.3083dup, p.Asp1029fs (NM_005650.4, NM_181492.3); c.3083dup (NM_181492.2); short protein forms D1029fs.
Identifiers: ClinVar variation 3061750 (VCV003061750.2), dbSNP rs2518219983, ClinGen allele CA2740091989.